The following is an entry in ClinVar:

ClinVar aggregate classification (germline): Uncertain significance (1 of 4 stars; one submission).

Conditions:
Gamma-aminobutyric acid transaminase deficiency (GABATD). Also called: GABA aminotransaminase deficiency; GABA transaminase deficiency; Gamma aminobutyrate transaminase deficiency; 4 alpha aminobutyrate transaminase deficiency. Identifiers: Orphanet 2066, MedGen C0342708, MONDO:0013166, OMIM 613163.

gnomAD v4.1: 1 of 1,612,924 alleles (0.000062%); highest among the groups gnomAD compares: Non-Finnish European, 0.000085%; no homozygotes.

Submission:

Labcorp Genetics (formerly Invitae), Labcorp
Classification: Uncertain significance for Gamma-aminobutyric acid transaminase deficiency. Last evaluated: 2022-07-06. Review status: criteria provided, single submitter. Criteria: Invitae Variant Classification Sherloc (09022015). Collection method: clinical testing. Allele origin: germline.
Comment: In summary, the available evidence is currently insufficient to determine the role of this variant in disease. Therefore, it has been classified as a Variant of Uncertain Significance. Algorithms developed to predict the effect of sequence changes on RNA splicing suggest that this variant may disrupt the consensus splice site. Algorithms developed to predict the effect of missense changes on protein structure and function are either unavailable or do not agree on the potential impact of this missense change (SIFT: "Deleterious"; PolyPhen-2: "Probably Damaging"; Align-GVGD: "Class C0"). ClinVar contains an entry for this variant (Variation ID: 1368589). This variant has not been reported in the literature in individuals affected with ABAT-related conditions. This variant is present in population databases (no rsID available, gnomAD 0.004%). This sequence change replaces serine, which is neutral and polar, with tryptophan, which is neutral and slightly polar, at codon 149 of the ABAT protein (p.Ser149Trp).

NM_020686.6(ABAT):c.446C>G (p.Ser149Trp)

Gene: ABAT (4-aminobutyrate aminotransferase; plus strand). Cytogenetic location: 16p13.2.
Variant type: single nucleotide variant.
Coding change: c.446C>G on transcript NM_020686.6 (MANE Select); coding-DNA position 446, C replaced by G.
Protein change: p.Ser149Trp; replaces serine 149 with tryptophan.
Molecular consequence: missense variant.
Genome position (GRCh38, 1-based): chr16:8,764,148, C>G. VCF-style: chr16-8764148-C-G. GRCh37 (hg19) VCF-style: chr16-8858005-C-G.
Other names: c.446C>G, p.Ser149Trp (NM_000663.5, NM_001127448.2, NM_001386600.1 and 10 more transcripts); c.311C>G, p.Ser104Trp (NM_001386610.1, NM_001386611.1, NM_001386612.1 and 1 more transcripts); c.200C>G, p.Ser67Trp (NM_001386614.1); c.542C>G, p.Ser181Trp (NM_001386615.1); short protein forms S67W, S104W, S181W, S149W.
Identifiers: ClinVar variation 1368589 (VCV001368589.8), dbSNP rs374113959, ClinGen allele CA394688295.
Genomic context (GRCh38, chr16:8,764,148, plus strand): 5'-CCGCCCTCGGAATCCTGCCTCCGGAGAACTTTGTGGAGAAGCTCCGGCAGTCCTTGCTCT[C>G]GGTGAGTTCTGGAGAAGCAATCCCATTGTCTTCAGACGTGGTACTGGCAGGGGAAGGGAA-3'
Protein context (NP_065737.2, residues 139-159): FVEKLRQSLL[Ser149Trp]VAPKGMSQLI